The following is an entry in ClinVar:

ClinVar aggregate classification (germline): Uncertain significance. Review status: criteria provided, multiple submitters, no conflicts (2 of 4 stars). 2 submissions from 2 submitters: Uncertain significance (2). Last evaluated 2025-02-05.

Conditions:
Hereditary cancer-predisposing syndrome. Also called: Hereditary Cancer Syndrome; Hereditary neoplastic syndrome; Neoplastic Syndromes, Hereditary; Tumor predisposition. Identifiers: Orphanet 140162, MedGen C0027672, MeSH D009386, MONDO:0015356.
Breast-ovarian cancer, familial, susceptibility to, 4. Identifiers: Orphanet 145, MedGen C3280345, MONDO:0013669, OMIM 614291.

Submissions (2):

Ambry Genetics
Classification: Uncertain significance for Hereditary cancer-predisposing syndrome. Last evaluated: 2025-02-05. Review status: criteria provided, single submitter. Criteria: Ambry Variant Classification Scheme 2023. Collection method: clinical testing. Allele origin: germline.
Comment: The p.V202L variant (also known as c.604G>T), located in coding exon 7 of the RAD51D gene, results from a G to T substitution at nucleotide position 604. The valine at codon 202 is replaced by leucine, an amino acid with highly similar properties. This amino acid position is conserved. In addition, this alteration is predicted to be tolerated by in silico analysis. Since supporting evidence is limited at this time, the clinical significance of this alteration remains unclear.

Labcorp Genetics (formerly Invitae), Labcorp
Classification: Uncertain significance for Breast-ovarian cancer, familial, susceptibility to, 4. Last evaluated: 2023-08-16. Review status: criteria provided, single submitter. Criteria: Invitae Variant Classification Sherloc (09022015). Collection method: clinical testing. Allele origin: germline.
Comment: In summary, the available evidence is currently insufficient to determine the role of this variant in disease. Therefore, it has been classified as a Variant of Uncertain Significance. Advanced modeling of protein sequence and biophysical properties (such as structural, functional, and spatial information, amino acid conservation, physicochemical variation, residue mobility, and thermodynamic stability) performed at Invitae indicates that this missense variant is not expected to disrupt RAD51D protein function. ClinVar contains an entry for this variant (Variation ID: 1751275). This variant has not been reported in the literature in individuals affected with RAD51D-related conditions. This variant is not present in population databases (gnomAD no frequency). This sequence change replaces valine, which is neutral and non-polar, with leucine, which is neutral and non-polar, at codon 202 of the RAD51D protein (p.Val202Leu).

NM_002878.4(RAD51D):c.604G>T (p.Val202Leu)

Genes: RAD51D (RAD51 paralog D; minus strand), RAD51L3-RFFL (RAD51L3-RFFL readthrough; minus strand). Cytogenetic location: 17q12.
Variant type: single nucleotide variant.
Coding change: c.604G>T on transcript NM_002878.4 (MANE Select); coding-DNA position 604, G replaced by T.
Protein change: p.Val202Leu; replaces valine 202 with leucine.
Molecular consequence: missense variant. On other transcripts: non-coding transcript variant (3).
Genome position (GRCh38, 1-based): chr17:35,103,517, C>A on the plus strand (G>T on the coding strand, the complement: RAD51D is on the minus strand). VCF-style: chr17-35103517-C-A. GRCh37 (hg19) VCF-style: chr17-33430536-C-A.
Other names: c.664G>T, p.Val222Leu (NM_001142571.2); c.268G>T, p.Val90Leu (NM_133629.3); short protein forms V202L, V222L, V90L.
Identifiers: ClinVar variation 1751275 (VCV001751275.6), dbSNP rs1567726587, ClinGen allele CA399087944.